The following is an entry in ClinVar:

NM_001081.4(CUBN):c.1245T>C (p.Gly415=)

Genes: CUBN (cubilin; minus strand), LOC129390143 (MPRA-validated peak884 silencer; plus strand). Cytogenetic location: 10p13.
Variant type: single nucleotide variant.
Coding change: c.1245T>C on transcript NM_001081.4 (MANE Select); coding-DNA position 1245, T replaced by C.
Protein change: p.Gly415=; no amino-acid change (glycine 415 retained).
Molecular consequence: synonymous variant.
Genome position (GRCh38, 1-based): chr10:17,104,591, A>G on the plus strand (T>C on the coding strand, the complement: CUBN is on the minus strand). VCF-style: chr10-17104591-A-G. GRCh37 (hg19) VCF-style: chr10-17146590-A-G.
Other names: p.Gly415=.
Identifiers: ClinVar variation 299526 (VCV000299526.20), dbSNP rs12571671, ClinGen allele CA5425326.

ClinVar aggregate classification (germline): Benign. Review status: criteria provided, multiple submitters, no conflicts (2 of 4 stars). 7 submissions from 7 submitters: Benign (7). Last evaluated 2026-02-01.

Conditions:
Imerslund-Grasbeck syndrome type 1 (IGS1). Also called: Megaloblastic anemia 1, Finnish type; MEGALOBLASTIC ANEMIA, 1; Imerslund-Gräsbeck syndrome 1. Identifiers: MedGen C4016819, MONDO:0100156, OMIM 261100.
Imerslund-Grasbeck syndrome. Also called: ENTEROCYTE COBALAMIN MALABSORPTION; ENTEROCYTE INTRINSIC FACTOR RECEPTOR, DEFECT OF; Imerslund-Gräsbeck syndrome; PERNICIOUS ANEMIA, JUVENILE, DUE TO SELECTIVE INTESTINAL MALABSORPTION OF VITAMIN B12, WITH PROTEINURIA; Megaloblastic anemia due to inborn errors of metabolism. Identifiers: Orphanet 35858, MedGen C4551825, MONDO:0009853.

Allele frequency attached by ClinVar (database versions not stated): gnomAD exomes 0.04437 and 0.07324; ESP Exome Variant Server 0.04798; gnomAD 0.05965 and 0.06343; TOPMed 0.06090; ExAC 0.07519; 1000 Genomes Project 30x 0.11196; 1000 Genomes Project 0.11681.
gnomAD v4.1: 74,478 of 1,613,208 alleles (4.6%); highest among the groups gnomAD compares: East Asian, 26%; 3,597 homozygotes.

Submissions (7):

Labcorp Genetics (formerly Invitae), Labcorp
Classification: Benign for Imerslund-Grasbeck syndrome. Last evaluated: 2026-02-01. Review status: criteria provided, single submitter. Criteria: Invitae Variant Classification Sherloc (09022015). Collection method: clinical testing. Allele origin: germline.

Blueprint Genetics
Classification: Benign. Last evaluated: 2024-11-27. Review status: criteria provided, single submitter. Criteria: ACMG Guidelines, 2015. Collection method: clinical testing. Allele origin: germline.

Mayo Clinic Laboratories, Mayo Clinic
Classification: Benign. Last evaluated: 2022-03-09. Review status: criteria provided, single submitter. Criteria: ACMG Guidelines, 2015. Collection method: clinical testing. Allele origin: germline. Observed: 21 variant alleles.

Genome-Nilou Lab
Classification: Benign for Imerslund-Grasbeck syndrome type 1. Last evaluated: 2021-07-30. Review status: criteria provided, single submitter. Criteria: ACMG Guidelines, 2015. Collection method: clinical testing. Allele origin: germline. Affected: no.

GeneDx
Classification: Benign. Last evaluated: 2018-07-31. Review status: criteria provided, single submitter. Criteria: GeneDx Variant Classification Process June 2021. Collection method: clinical testing. Allele origin: germline. Affected: yes.

Illumina Laboratory Services, Illumina
Classification: Benign for Imerslund-Grasbeck syndrome type 1. Last evaluated: 2018-01-13. Review status: criteria provided, single submitter. Criteria: ICSL Variant Classification Criteria 13 December 2019. Collection method: clinical testing. Allele origin: germline.
Comment: This variant was observed in the ICSL laboratory as part of a predisposition screen in an ostensibly healthy population. It had not been previously curated by ICSL or reported in the Human Gene Mutation Database (HGMD: prior to June 1st, 2018), and was therefore a candidate for classification through an automated scoring system. Utilizing variant allele frequency, disease prevalence and penetrance estimates, and inheritance mode, an automated score was calculated to assess if this variant is too frequent to cause the disease. Based on the score and internal cut-off values, a variant classified as benign is not then subjected to further curation. The score for this variant resulted in a classification of benign for this disease.

Breakthrough Genomics
Classification: Benign. Review status: criteria provided, single submitter. Criteria: ACMG Guidelines, 2015. Collection method: not provided. Allele origin: germline. Inheritance: Autosomal recessive inheritance. Affected: yes.